The following is an entry in ClinVar:

ClinVar aggregate classification (germline): Uncertain significance (1 of 4 stars; one submission).

Conditions:
MHC class I deficiency. Identifiers: Orphanet 34592, MedGen C6024714, MONDO:0011476.

Submission:

Labcorp Genetics (formerly Invitae), Labcorp
Classification: Uncertain significance for MHC class I deficiency 1. Last evaluated: 2019-06-28. Review status: criteria provided, single submitter. Criteria: Invitae Variant Classification Sherloc (09022015). Collection method: clinical testing. Allele origin: germline.
Comment: This variant is not present in population databases (ExAC no frequency). In summary, the available evidence is currently insufficient to determine the role of this variant in disease. Therefore, it has been classified as a Variant of Uncertain Significance. Experimental studies and prediction algorithms are not available or were not evaluated for this variant, and the functional significance of the affected amino acid(s) is currently unknown. This variant has not been reported in the literature in individuals with TAP2-related conditions. This sequence change results in a premature translational stop signal in the TAP2 gene (p.Glu642*). While this is not anticipated to result in nonsense mediated decay, it is expected to disrupt the last 62 amino acids of the TAP2 protein.

NM_001290043.2(TAP2):c.1924G>T (p.Glu642Ter)

Gene: TAP2 (transporter 2, ATP binding cassette subfamily B member; minus strand). Cytogenetic location: 6p21.32.
Variant type: single nucleotide variant.
Coding change: c.1924G>T on transcript NM_001290043.2 (MANE Select); coding-DNA position 1924, G replaced by T.
Protein change: p.Glu642Ter; replaces glutamic acid 642 with a stop codon.
Molecular consequence: nonsense.
Genome position (GRCh38, 1-based): chr6:32,829,408, C>A on the plus strand (G>T on the coding strand, the complement: TAP2 is on the minus strand). VCF-style: chr6-32829408-C-A. GRCh37 (hg19) VCF-style: chr6-32797185-C-A.
Other names: c.1924G>T, p.Glu642Ter (NM_000544.3, NM_018833.3); short protein forms E642*.
Identifiers: ClinVar variation 949957 (VCV000949957.6), dbSNP rs765581144, ClinGen allele CA363578862.